The following is an entry in ClinVar:

NM_012205.3(HAAO):c.141C>A (p.His47Gln)

Gene: HAAO (3-hydroxyanthranilate 3,4-dioxygenase; minus strand). Cytogenetic location: 2p21.
Variant type: single nucleotide variant.
Coding change: c.141C>A on transcript NM_012205.3 (MANE Select); coding-DNA position 141, C replaced by A.
Protein change: p.His47Gln; replaces histidine 47 with glutamine.
Molecular consequence: missense variant.
Genome position (GRCh38, 1-based): chr2:42,788,547, G>T on the plus strand (C>A on the coding strand, the complement: HAAO is on the minus strand). VCF-style: chr2-42788547-G-T. GRCh37 (hg19) VCF-style: chr2-43015687-G-T.
Other names: short protein forms H47Q.
Identifiers: ClinVar variation 988085 (VCV000988085.2), dbSNP rs746702852, ClinGen allele CA346627355.

ClinVar aggregate classification (germline): Pathogenic. Review status: no assertion criteria provided (0 of 4 stars). 2 submissions from 2 submitters: Pathogenic (2). Last evaluated 2022-07-15.

Conditions:
Vertebral, cardiac, renal, and limb defects syndrome 1. Also called: 3-HYDROXYANTHRANILIC ACIDEMIA; CONGENITAL NAD DEFICIENCY DISORDER 1. Identifiers: MedGen C4540004, MONDO:0060554, OMIM 617660.
Congenital NAD deficiency disorder. Identifiers: MedGen CN241975.

Submissions (2):

OMIM
Classification: Pathogenic for VERTEBRAL, CARDIAC, RENAL, AND LIMB DEFECTS SYNDROME 1. Last evaluated: 2022-07-15. Review status: no assertion criteria provided. Collection method: literature only. Allele origin: germline.

Embryology Laboratory, Victor Chang Cardiac Research Institute
Classification: Pathogenic for Congenital NAD Deficiency Disorder. Last evaluated: 2020-11-11. Review status: no assertion criteria provided. Collection method: research. Allele origin: inherited. Inheritance: Autosomal recessive inheritance. Affected: yes. Observed: 1 variant allele, 1 compound heterozygote.
Comment: This variant, c.141C>A, was found in compound heterozygosity with the pathogenic variant c.128G>A

Literature cited by the submitters: PubMed 33942433 (cited by OMIM and Embryology Laboratory, Victor Chang Cardiac Research Institute).